The following is an entry in ClinVar:

ClinVar aggregate classification (germline): Uncertain significance (1 of 4 stars; one submission).

Submission:

Labcorp Genetics (formerly Invitae), Labcorp
Classification: Uncertain significance. Last evaluated: 2024-09-21. Review status: criteria provided, single submitter. Criteria: Invitae Variant Classification Sherloc (09022015). Collection method: clinical testing. Allele origin: germline.
Comment: This sequence change falls in intron 4 of the GRIN2D gene. It does not directly change the encoded amino acid sequence of the GRIN2D protein. It affects a nucleotide within the consensus splice site. This variant is not present in population databases (gnomAD no frequency). This variant has not been reported in the literature in individuals affected with GRIN2D-related conditions. Variants that disrupt the consensus splice site are a relatively common cause of aberrant splicing (PMID: 17576681, 9536098). Algorithms developed to predict the effect of sequence changes on RNA splicing suggest that this variant may disrupt the consensus splice site. In summary, the available evidence is currently insufficient to determine the role of this variant in disease. Therefore, it has been classified as a Variant of Uncertain Significance.

Literature cited by the submitters: PubMed 17576681; PubMed 9536098.

NM_000836.4(GRIN2D):c.1200+6T>C

Gene: GRIN2D (glutamate ionotropic receptor NMDA type subunit 2D; plus strand). Cytogenetic location: 19q13.33.
Variant type: single nucleotide variant.
Coding change: c.1200+6T>C on transcript NM_000836.4 (MANE Select); 6 bases into the intron after coding-DNA position 1200, T replaced by C.
Molecular consequence: intron variant.
Genome position (GRCh38, 1-based): chr19:48,414,111, T>C. VCF-style: chr19-48414111-T-C. GRCh37 (hg19) VCF-style: chr19-48917368-T-C.
Identifiers: ClinVar variation 3605349 (VCV003605349.2).